The following is an entry in ClinVar:

ClinVar aggregate classification (germline): Uncertain significance (1 of 4 stars; one submission).

Allele frequency attached by ClinVar (database versions not stated): gnomAD exomes below 0.00001; ExAC 0.00001.
gnomAD v4.1: 3 of 1,613,910 alleles (0.00019%); highest among the groups gnomAD compares: South Asian, 0.0033%; no homozygotes.

Submission:

Labcorp Genetics (formerly Invitae), Labcorp
Classification: Uncertain significance. Last evaluated: 2022-10-28. Review status: criteria provided, single submitter. Criteria: Invitae Variant Classification Sherloc (09022015). Collection method: clinical testing. Allele origin: germline.
Comment: In summary, the available evidence is currently insufficient to determine the role of this variant in disease. Therefore, it has been classified as a Variant of Uncertain Significance. Algorithms developed to predict the effect of missense changes on protein structure and function are either unavailable or do not agree on the potential impact of this missense change (SIFT: "Deleterious"; PolyPhen-2: "Probably Damaging"; Align-GVGD: "Class C0"). This variant has not been reported in the literature in individuals affected with IMPG1-related conditions. This variant is present in population databases (rs774935829, gnomAD 0.006%). This sequence change replaces glutamic acid, which is acidic and polar, with lysine, which is basic and polar, at codon 122 of the IMPG1 protein (p.Glu122Lys).

NM_001563.4(IMPG1):c.364G>A (p.Glu122Lys)

Gene: IMPG1 (interphotoreceptor matrix proteoglycan 1; minus strand). Cytogenetic location: 6q14.1.
Variant type: single nucleotide variant.
Coding change: c.364G>A on transcript NM_001563.4 (MANE Select); coding-DNA position 364, G replaced by A.
Protein change: p.Glu122Lys; replaces glutamic acid 122 with lysine.
Molecular consequence: missense variant.
Genome position (GRCh38, 1-based): chr6:76,034,725, C>T on the plus strand (G>A on the coding strand, the complement: IMPG1 is on the minus strand). VCF-style: chr6-76034725-C-T. GRCh37 (hg19) VCF-style: chr6-76744442-C-T.
Other names: c.130G>A, p.Glu44Lys (NM_001282368.2); short protein forms E122K, E44K.
Identifiers: ClinVar variation 1918248 (VCV001918248.5), dbSNP rs774935829, ClinGen allele CA3898555.